The following is an entry in ClinVar:

NM_017934.7(PHIP):c.292C>T (p.Gln98Ter)

Gene: PHIP (PHIP subunit of CUL4-Ring ligase complex; minus strand). Cytogenetic location: 6q14.1.
Variant type: single nucleotide variant.
Coding change: c.292C>T on transcript NM_017934.7 (MANE Select); coding-DNA position 292, C replaced by T.
Protein change: p.Gln98Ter; replaces glutamine 98 with a stop codon.
Molecular consequence: nonsense.
Genome position (GRCh38, 1-based): chr6:79,060,716, G>A on the plus strand (C>T on the coding strand, the complement: PHIP is on the minus strand). VCF-style: chr6-79060716-G-A. GRCh37 (hg19) VCF-style: chr6-79770433-G-A.
Other names: short protein forms Q98*.
Identifiers: ClinVar variation 4086497 (VCV004086497.1).

ClinVar aggregate classification (germline): Pathogenic (1 of 4 stars; one submission).

Submission:

GeneDx
Classification: Pathogenic. Last evaluated: 2025-03-21. Review status: criteria provided, single submitter. Criteria: GeneDx Variant Classification Process June 2021. Collection method: clinical testing. Allele origin: germline. Affected: yes.
Comment: Nonsense variant predicted to result in protein truncation or nonsense mediated decay in a gene for which loss of function is a known mechanism of disease; Not observed at significant frequency in large population cohorts (gnomAD); Has not been previously published as pathogenic or benign to our knowledge